The following is an entry in ClinVar:

ClinVar aggregate classification (germline): Uncertain significance (1 of 4 stars; one submission).

Allele frequency attached by ClinVar (database versions not stated): gnomAD exomes 0.00002; ExAC 0.00007.

Submission:

Labcorp Genetics (formerly Invitae), Labcorp
Classification: Uncertain significance. Last evaluated: 2022-03-17. Review status: criteria provided, single submitter. Criteria: Invitae Variant Classification Sherloc (09022015). Collection method: clinical testing. Allele origin: germline.
Comment: This sequence change replaces arginine, which is basic and polar, with histidine, which is basic and polar, at codon 471 of the MFSD2A protein (p.Arg471His). This variant is present in population databases (rs766326770, gnomAD 0.01%). This variant has not been reported in the literature in individuals affected with MFSD2A-related conditions. Algorithms developed to predict the effect of missense changes on protein structure and function are either unavailable or do not agree on the potential impact of this missense change (SIFT: "Tolerated"; PolyPhen-2: "Possibly Damaging"; Align-GVGD: "Class C0"). In summary, the available evidence is currently insufficient to determine the role of this variant in disease. Therefore, it has been classified as a Variant of Uncertain Significance.

NM_032793.5(MFSD2A):c.1373G>A (p.Arg458His)

Gene: MFSD2A (MFSD2 lysolipid transporter A, lysophospholipid; plus strand). Cytogenetic location: 1p34.2.
Variant type: single nucleotide variant.
Coding change: c.1373G>A on transcript NM_032793.5 (MANE Select); coding-DNA position 1373, G replaced by A.
Protein change: p.Arg458His; replaces arginine 458 with histidine.
Molecular consequence: missense variant. On other transcripts: non-coding transcript variant (1).
Genome position (GRCh38, 1-based): chr1:39,968,589, G>A. VCF-style: chr1-39968589-G-A. GRCh37 (hg19) VCF-style: chr1-40434261-G-A.
Other names: c.1412G>A, p.Arg471His (NM_001136493.3); c.905G>A, p.Arg302His (NM_001287808.2); c.1256G>A, p.Arg419His (NM_001287809.2); c.1367G>A, p.Arg456His (NM_001349821.2); c.1289G>A, p.Arg430His (NM_001349822.2); c.1028G>A, p.Arg343His (NM_001349823.2); short protein forms R302H, R419H, R430H, R458H, R471H, R343H, R456H.
Identifiers: ClinVar variation 2059584 (VCV002059584.1), dbSNP rs766326770, ClinGen allele CA788975.